The following is an entry in ClinVar:

NM_024577.4(SH3TC2):c.1856T>A (p.Val619Glu)

Gene: SH3TC2 (SH3 domain and tetratricopeptide repeats 2; minus strand). Cytogenetic location: 5q32.
Variant type: single nucleotide variant.
Coding change: c.1856T>A on transcript NM_024577.4 (MANE Select); coding-DNA position 1856, T replaced by A.
Protein change: p.Val619Glu; replaces valine 619 with glutamic acid.
Molecular consequence: missense variant.
Genome position (GRCh38, 1-based): chr5:149,027,876, A>T on the plus strand (T>A on the coding strand, the complement: SH3TC2 is on the minus strand). VCF-style: chr5-149027876-A-T. GRCh37 (hg19) VCF-style: chr5-148407439-A-T.
Other names: short protein forms V619E.
Identifiers: ClinVar variation 862011 (VCV000862011.12), dbSNP rs1196218767, ClinGen allele CA361667583.
Genomic context (GRCh38, chr5:149,027,876, plus strand): 5'-GCCAGAAAGCAGGCCCTGGCCTCCAGCGGGCTGCTGCCCACCACAATCCCCTGGCGCAGC[A>T]CGTAGGCCACCACGTCGAGTTCATGCTTGGCACTAGACTCACGGTCAGGCAGGCAGGCCA-3'
Protein context (NP_078853.2, residues 609-629): AKHELDVVAY[Val619Glu]LRQGIVVGSS

ClinVar aggregate classification (germline): Conflicting classifications of pathogenicity. Review status: criteria provided, conflicting classifications (1 of 4 stars). 3 submissions from 3 submitters: Pathogenic (1); Uncertain significance (2). Last evaluated 2023-11-01.

Conditions:
Charcot-Marie-Tooth disease type 4. Also called: Charcot-Marie-Tooth disease, type IV; Charcot-Marie-Tooth, Type 4. Identifiers: Orphanet 64749, MedGen C4082197, MONDO:0018995.
Charcot-Marie-Tooth disease type 4C (CMT4C). Also called: Charcot-Marie-Tooth Neuropathy Type 4C (CMT4C); CMT 4C; CHARCOT-MARIE-TOOTH DISEASE, DEMYELINATING, TYPE 4C; CHARCOT-MARIE-TOOTH DISEASE, DEMYELINATING, AUTOSOMAL RECESSIVE, TYPE 4C; SH3TC2-Related Hereditary Motor and Sensory Neuropathy. Identifiers: Orphanet 99949, MedGen C1866636, MONDO:0011113, OMIM 601596.

Allele frequency attached by ClinVar (database versions not stated): gnomAD exomes below 0.00001; TOPMed below 0.00001.
gnomAD v4.1: 5 of 1,613,934 alleles (0.00031%); highest among the groups gnomAD compares: Admixed American, 0.0083%; no homozygotes.

Submissions (3):

Labcorp Genetics (formerly Invitae), Labcorp
Classification: Uncertain significance for Charcot-Marie-Tooth disease type 4. Last evaluated: 2023-11-01. Review status: criteria provided, single submitter. Criteria: Invitae Variant Classification Sherloc (09022015). Collection method: clinical testing. Allele origin: germline.
Comment: This sequence change replaces valine, which is neutral and non-polar, with glutamic acid, which is acidic and polar, at codon 619 of the SH3TC2 protein (p.Val619Glu). This variant is present in population databases (no rsID available, gnomAD 0.003%). This missense change has been observed in individual(s) with clinical features of SH3TC2-related conditions (Invitae). ClinVar contains an entry for this variant (Variation ID: 862011). Advanced modeling of protein sequence and biophysical properties (such as structural, functional, and spatial information, amino acid conservation, physicochemical variation, residue mobility, and thermodynamic stability) performed at Invitae indicates that this missense variant is not expected to disrupt SH3TC2 protein function with a negative predictive value of 95%. In summary, the available evidence is currently insufficient to determine the role of this variant in disease. Therefore, it has been classified as a Variant of Uncertain Significance.

Molecular Genetics and NGS Laboratory, Hospital Fundacion Valle Del Lili
Classification: Pathogenic for Charcot-Marie-Tooth disease type 4C. Last evaluated: 2023-04-11. Review status: criteria provided, single submitter. Criteria: ACMG Guidelines, 2015. Collection method: clinical testing. Allele origin: inherited. Inheritance: Autosomal recessive inheritance. Affected: yes. Observed: 1 homozygote.
Comment: In summary, the Val619Glu variant meets our criteria to be classified as pathogenic

GeneDx
Classification: Uncertain significance. Last evaluated: 2019-07-25. Review status: criteria provided, single submitter. Criteria: GeneDx Variant Classification Process June 2021. Collection method: clinical testing. Allele origin: germline. Affected: yes.
Comment: Not observed at a significant frequency in large population cohorts (Lek et al., 2016); In silico analysis, which includes protein predictors and evolutionary conservation, supports a deleterious effect; Has not been previously published as pathogenic or benign to our knowledge